The following is an entry in ClinVar:

NM_182914.3(SYNE2):c.18889A>T (p.Thr6297Ser)

Gene: SYNE2 (spectrin repeat containing nuclear envelope protein 2; plus strand). Cytogenetic location: 14q23.2.
Variant type: single nucleotide variant.
Coding change: c.18889A>T on transcript NM_182914.3 (MANE Select); coding-DNA position 18889, A replaced by T.
Protein change: p.Thr6297Ser; replaces threonine 6297 with serine.
Molecular consequence: missense variant.
Genome position (GRCh38, 1-based): chr14:64,212,838, A>T. VCF-style: chr14-64212838-A-T. GRCh37 (hg19) VCF-style: chr14-64679556-A-T.
Other names: c.18889A>T, p.Thr6297Ser (NM_015180.6); short protein forms T6297S.
Identifiers: ClinVar variation 2803735 (VCV002803735.3), dbSNP rs1376843005, ClinGen allele CA389953717.

ClinVar aggregate classification (germline): Uncertain significance (1 of 4 stars; one submission).

Conditions:
Emery-Dreifuss muscular dystrophy 5, autosomal dominant (EDMD5). Also called: EMERY-DREIFUSS MUSCULAR DYSTROPHY 5. Identifiers: Orphanet 261, MedGen C2751805, MONDO:0013072, OMIM 612999.

Allele frequency attached by ClinVar (database versions not stated): TOPMed below 0.00001.

Submission:

Labcorp Genetics (formerly Invitae), Labcorp
Classification: Uncertain significance for Emery-Dreifuss muscular dystrophy 5, autosomal dominant. Last evaluated: 2023-06-16. Review status: criteria provided, single submitter. Criteria: Invitae Variant Classification Sherloc (09022015). Collection method: clinical testing. Allele origin: germline.
Comment: This sequence change replaces threonine, which is neutral and polar, with serine, which is neutral and polar, at codon 6297 of the SYNE2 protein (p.Thr6297Ser). This variant is not present in population databases (gnomAD no frequency). This variant has not been reported in the literature in individuals affected with SYNE2-related conditions. An algorithm developed to predict the effect of missense changes on protein structure and function (PolyPhen-2) suggests that this variant is likely to be disruptive. In summary, the available evidence is currently insufficient to determine the role of this variant in disease. Therefore, it has been classified as a Variant of Uncertain Significance.